The following is an entry in ClinVar:

NM_000465.4(BARD1):c.1283G>C (p.Gly428Ala)

Gene: BARD1 (BRCA1 associated RING domain 1; minus strand). Cytogenetic location: 2q35.
Variant type: single nucleotide variant.
Coding change: c.1283G>C on transcript NM_000465.4 (MANE Select); coding-DNA position 1283, G replaced by C.
Protein change: p.Gly428Ala; replaces glycine 428 with alanine.
Molecular consequence: missense variant. On other transcripts: non-coding transcript variant (2), intron variant (3).
Genome position (GRCh38, 1-based): chr2:214,780,591, C>G on the plus strand (G>C on the coding strand, the complement: BARD1 is on the minus strand). VCF-style: chr2-214780591-C-G. GRCh37 (hg19) VCF-style: chr2-215645315-C-G.
Other names: c.1226G>C, p.Gly409Ala (NM_001282543.2); c.159-28036G>C (NM_001282548.2); c.215+16470G>C (NM_001282545.2); c.364+11706G>C (NM_001282549.2); short protein forms G428A, G409A.
Identifiers: ClinVar variation 818791 (VCV000818791.12), dbSNP rs1272940739, ClinGen allele CA350453381.
Genomic context (GRCh38, chr2:214,780,591, plus strand): 5'-GAGATGGTATTTCAGAGTAAGCATCCTACCTTAATAGAAGCAATATGGAGCAAAGTCTCT[C>G]CTCTATGATTTCTTTTCACAGCCATATTGGGCAACAGCTTCATTGCTGAGGGACTAGACA-3'
Protein context (NP_000456.2, residues 418-438): PNMAVKRNHR[Gly428Ala]ETLLHIASIK

ClinVar aggregate classification (germline): Uncertain significance. Review status: criteria provided, multiple submitters, no conflicts (2 of 4 stars). 2 submissions from 2 submitters: Uncertain significance (2). Last evaluated 2025-05-29.

Conditions:
Hereditary cancer-predisposing syndrome. Also called: Tumor predisposition; Hereditary neoplastic syndrome; Neoplastic Syndromes, Hereditary; Hereditary Cancer Syndrome. Identifiers: Orphanet 140162, MedGen C0027672, MeSH D009386, MONDO:0015356.
Familial cancer of breast. Also called: hereditary breast carcinoma; Hereditary breast cancer; BREAST CANCER, FAMILIAL. Identifiers: Orphanet 227535, MedGen C0346153, MONDO:0016419, OMIM 114480. Disease mechanism: loss of function.

Submissions (2):

Ambry Genetics
Classification: Uncertain significance for Hereditary cancer-predisposing syndrome. Last evaluated: 2025-05-29. Review status: criteria provided, single submitter. Criteria: Ambry Variant Classification Scheme 2023. Collection method: clinical testing. Allele origin: germline.
Comment: The p.G428A variant (also known as c.1283G>C), located in coding exon 4 of the BARD1 gene, results from a G to C substitution at nucleotide position 1283. The glycine at codon 428 is replaced by alanine, an amino acid with similar properties. This amino acid position is highly conserved in available vertebrate species. In addition, this alteration is predicted to be deleterious by in silico analysis. Since supporting evidence is limited at this time, the clinical significance of this alteration remains unclear.

Labcorp Genetics (formerly Invitae), Labcorp
Classification: Uncertain significance for Familial cancer of breast. Last evaluated: 2022-11-20. Review status: criteria provided, single submitter. Criteria: Invitae Variant Classification Sherloc (09022015). Collection method: clinical testing. Allele origin: germline.
Comment: In summary, the available evidence is currently insufficient to determine the role of this variant in disease. Therefore, it has been classified as a Variant of Uncertain Significance. Algorithms developed to predict the effect of missense changes on protein structure and function (SIFT, PolyPhen-2, Align-GVGD) all suggest that this variant is likely to be disruptive. ClinVar contains an entry for this variant (Variation ID: 818791). This variant has not been reported in the literature in individuals affected with BARD1-related conditions. This variant is not present in population databases (gnomAD no frequency). This sequence change replaces glycine, which is neutral and non-polar, with alanine, which is neutral and non-polar, at codon 428 of the BARD1 protein (p.Gly428Ala).